The following is an entry in ClinVar:

NM_002469.3(MYF6):c.544A>C (p.Thr182Pro)

Gene: MYF6 (myogenic factor 6; plus strand). Cytogenetic location: 12q21.31.
Variant type: single nucleotide variant.
Coding change: c.544A>C on transcript NM_002469.3 (MANE Select); coding-DNA position 544, A replaced by C.
Protein change: p.Thr182Pro; replaces threonine 182 with proline.
Molecular consequence: missense variant.
Genome position (GRCh38, 1-based): chr12:80,708,548, A>C. VCF-style: chr12-80708548-A-C. GRCh37 (hg19) VCF-style: chr12-81102327-A-C.
Other names: short protein forms T182P.
Identifiers: ClinVar variation 472757 (VCV000472757.16), dbSNP rs141278987, ClinGen allele CA6703131.

ClinVar aggregate classification (germline): Likely benign. Review status: criteria provided, multiple submitters, no conflicts (2 of 4 stars). 3 submissions from 3 submitters: Likely benign (2). 1 of the submissions does not count toward it. Last evaluated 2025-08-15.

Conditions:
MYF6-related disorder. Also called: MYF6-related condition.
Autosomal dominant centronuclear myopathy. Also called: MYOTUBULAR MYOPATHY, AUTOSOMAL DOMINANT; Myopathy, centronuclear, 3. Identifiers: Orphanet 169189, MedGen C4551952, MeSH D020914, MONDO:0008048, OMIM 160150.

Allele frequency attached by ClinVar (database versions not stated): gnomAD exomes 0.00067; ExAC 0.00068; 1000 Genomes Project 30x 0.00265; gnomAD 0.00270 and 0.00283; 1000 Genomes Project 0.00280; TOPMed 0.00301.
gnomAD v4.1: 763 of 1,576,370 alleles (0.048%); highest among the groups gnomAD compares: African/African-American, 0.95%; 4 homozygotes.

Submissions (3):

Labcorp Genetics (formerly Invitae), Labcorp
Classification: Likely benign for Autosomal dominant centronuclear myopathy. Last evaluated: 2025-08-15. Review status: criteria provided, single submitter. Criteria: Invitae Variant Classification Sherloc (09022015). Collection method: clinical testing. Allele origin: germline.

Breakthrough Genomics
Classification: Likely benign. Review status: criteria provided, single submitter. Criteria: ACMG Guidelines, 2015. Collection method: not provided. Allele origin: germline. Inheritance: Unknown mechanism. Affected: yes.

PreventionGenetics, part of Exact Sciences
Classification: Benign for MYF6-related condition. Last evaluated: 2019-07-11. Review status: no assertion criteria provided. Collection method: clinical testing. Allele origin: germline. Not counted in ClinVar's aggregate classification.
Comment: This variant is classified as benign based on ACMG/AMP sequence variant interpretation guidelines (Richards et al. 2015 PMID: 25741868, with internal and published modifications).